The following is an entry in ClinVar:

NM_006080.3(SEMA3A):c.2127C>T (p.Leu709=)

Gene: SEMA3A (semaphorin 3A; minus strand). Cytogenetic location: 7q21.11.
Variant type: single nucleotide variant.
Coding change: c.2127C>T on transcript NM_006080.3 (MANE Select); coding-DNA position 2127, C replaced by T.
Protein change: p.Leu709=; no amino-acid change (leucine 709 retained).
Molecular consequence: synonymous variant.
Genome position (GRCh38, 1-based): chr7:83,961,560, G>A on the plus strand (C>T on the coding strand, the complement: SEMA3A is on the minus strand). VCF-style: chr7-83961560-G-A. GRCh37 (hg19) VCF-style: chr7-83590876-G-A.
Identifiers: ClinVar variation 4987403 (VCV004987403.1).
Genomic context (GRCh38, chr7:83,961,560, plus strand): 5'-GTCCCTTTTCCAAACTTGTTCACAGAACTCATCCATTGTGTTGAGATTGGGGTGGTTGAT[G>A]AGCTGCATGAAGTCTCTGTACCAGACCTTCTGGCTAGGTGTCATGCTATTGGACATTTCT-3'
Protein context (NP_006071.1, residues 699-719): QKVWYRDFMQ[Leu709=]INHPNLNTMD

ClinVar aggregate classification (germline): Likely benign (1 of 4 stars; one submission).

Conditions:
SEMA3A-related disorder. Also called: SEMA3A-related condition.

gnomAD v4.1: 34 of 1,613,972 alleles (0.0021%); highest among the groups gnomAD compares: Middle Eastern, 0.016%; no homozygotes.

Submission:

PreventionGenetics, part of Exact Sciences
Classification: Likely benign for SEMA3A-related condition. Last evaluated: 2025-06-18. Review status: criteria provided, single submitter. Criteria: ACMG Guidelines, 2015. Collection method: clinical testing. Allele origin: germline.
Comment: This variant is classified as likely benign based on ACMG/AMP sequence variant interpretation guidelines (Richards et al. 2015 PMID: 25741868, with internal and published modifications).